The following is an entry in ClinVar:

ClinVar aggregate classification (somatic clinical impact): Tier II - Potential (1 of 4 stars; one submission).

Conditions:
Neuroblastoma (NB). Identifiers: Orphanet 635, MedGen C0027819, MeSH D009447, MONDO:0005072, HP:0003006.

Submission:

Institute for Genomic Medicine (IGM) Clinical Laboratory, Nationwide Children's Hospital
Classification: Tier II - Potential for Neuroblastoma. Assertion type: diagnostic. Clinical significance: supports diagnosis. Last evaluated: 2025-06-23. Review status: criteria provided, single submitter. Criteria: AMP/ASCO/CAP Guidelines, 2017. Collection method: clinical testing. Allele origin: somatic. Affected: yes.
Comment: Variant has Tier II (potential) clinical significance as a diagnostic inclusion criterion in neuroblastoma, based on the following evidence: 1) Assists in diagnosis alone or along with other biomarkers based on small studies or few case reports (Evidence Level D; PMIDs: 16822308, 23334666, 23232578).

Literature cited by the submitters: PubMed 16822308; PubMed 23334666; PubMed 23232578.

NM_181523.3(PIK3R1):c.1365_1379del (p.Gln455_Ser460delinsHis)

Gene: PIK3R1 (phosphoinositide-3-kinase regulatory subunit 1; plus strand). Cytogenetic location: 5q13.1.
Variant type: Deletion.
Coding change: c.1365_1379del on transcript NM_181523.3 (MANE Select); coding-DNA positions 1365 to 1379, 15 bases deleted (GTTTCAAGAAAAAAG).
Protein change: p.Gln455_Ser460delinsHis.
Molecular consequence: inframe indel.
Genome position (GRCh38, 1-based): chr5:68,293,774-68,293,788, GTTTCAAGAAAAAAG deleted. VCF-style (leftmost placement, unchanged base first): chr5-68293773-AGTTTCAAGAAAAAAG-A. GRCh37 (hg19) VCF-style: chr5-67589601-AGTTTCAAGAAAAAAG-A.
Other names: c.276_290del, p.Gln92_Ser97delinsHis (NM_001242466.2); c.555_569del, p.Gln185_Ser190delinsHis (NM_181504.4); c.465_479del, p.Gln155_Ser160delinsHis (NM_181524.2).
Identifiers: ClinVar variation 4530392 (VCV004530392.1).
Genomic context (GRCh38, chr5:68,293,773, plus strand): 5'-AAGTTGTCAAAGAAGATAATATTGAAGCTGTAGGGAAAAAATTACATGAATATAACACTC[AGTTTCAAGAAAAAAG>A]TCGAGAATATGATAGATTATATGAAGAATATACCCGCACATCCCAGGTGAGTTTTCTATG-3'